The following is an entry in ClinVar:

NM_006502.3(POLH):c.*50A>G

Gene: POLH (DNA polymerase eta; plus strand). Cytogenetic location: 6p21.1.
Variant type: single nucleotide variant.
Coding change: c.*50A>G on transcript NM_006502.3 (MANE Select); 50 bases downstream of the stop codon, A replaced by G.
Molecular consequence: 3 prime UTR variant.
Genome position (GRCh38, 1-based): chr6:43,614,607, A>G. VCF-style: chr6-43614607-A-G. GRCh37 (hg19) VCF-style: chr6-43582344-A-G.
Other names: c.*50A>G (NM_001291969.2); c.*876A>G (NM_001291970.2).
Identifiers: ClinVar variation 356917 (VCV000356917.10), dbSNP rs1064260, ClinGen allele CA3827374.

ClinVar aggregate classification (germline): Benign. Review status: criteria provided, multiple submitters, no conflicts (2 of 4 stars). 2 submissions from 2 submitters: Benign (2). Last evaluated 2018-07-09.

Conditions:
Xeroderma pigmentosum variant type. Also called: POLH-Related Xeroderma Pigmentosum; PHOTOSENSITIVITY WITH DEFECTIVE DNA SYNTHESIS; XERODERMA PIGMENTOSUM WITH NORMAL DNA REPAIR RATES. Identifiers: Orphanet 90342, MedGen C1848410, MONDO:0010214, OMIM 278750.

Allele frequency attached by ClinVar (database versions not stated): gnomAD exomes 0.00989 and 0.00386; ExAC 0.01075; ESP Exome Variant Server 0.03179; 1000 Genomes Project 0.03255; gnomAD 0.03312 and 0.03592; TOPMed 0.03772.
gnomAD v4.1: 10,160 of 1,408,840 alleles (0.72%); highest among the groups gnomAD compares: African/African-American, 11%; 492 homozygotes.

Submissions (2):

GeneDx
Classification: Benign. Last evaluated: 2018-07-09. Review status: criteria provided, single submitter. Criteria: GeneDx Variant Classification Process June 2021. Collection method: clinical testing. Allele origin: germline. Affected: yes.

Illumina Laboratory Services, Illumina
Classification: Benign for Xeroderma pigmentosum variant type. Last evaluated: 2018-01-13. Review status: criteria provided, single submitter. Criteria: ICSL Variant Classification Criteria 13 December 2019. Collection method: clinical testing. Allele origin: germline.
Comment: This variant was observed in the ICSL laboratory as part of a predisposition screen in an ostensibly healthy population. It had not been previously curated by ICSL or reported in the Human Gene Mutation Database (HGMD: prior to June 1st, 2018), and was therefore a candidate for classification through an automated scoring system. Utilizing variant allele frequency, disease prevalence and penetrance estimates, and inheritance mode, an automated score was calculated to assess if this variant is too frequent to cause the disease. Based on the score and internal cut-off values, a variant classified as benign is not then subjected to further curation. The score for this variant resulted in a classification of benign for this disease.